The following is an entry in ClinVar:

NM_006015.6(ARID1A):c.3792C>T (p.Ala1264=)

Gene: ARID1A (AT-rich interaction domain 1A; plus strand). Cytogenetic location: 1p36.11.
Variant type: single nucleotide variant.
Coding change: c.3792C>T on transcript NM_006015.6 (MANE Select); coding-DNA position 3792, C replaced by T.
Protein change: p.Ala1264=; no amino-acid change (alanine 1264 retained).
Molecular consequence: synonymous variant.
Genome position (GRCh38, 1-based): chr1:26,773,422, C>T. VCF-style: chr1-26773422-C-T. GRCh37 (hg19) VCF-style: chr1-27099913-C-T.
Other names: c.3792C>T, p.Ala1264= (NM_139135.4).
Identifiers: ClinVar variation 771687 (VCV000771687.38), dbSNP rs142429183, ClinGen allele CA707311.
Genomic context (GRCh38, chr1:26,773,422, plus strand): 5'-CTTCATGTCCTCAGGGCAGGGCCCCAACGGCGGGATGGGTGACCCCTACAGTCGTGCTGC[C>T]GGCCCTGGGCTAGGAAATGTGGCGATGGGACCACGACAGCACTATCCCTATGGAGGTCCT-3'
Protein context (NP_006006.3, residues 1254-1274): GGMGDPYSRA[Ala1264=]GPGLGNVAMG

ClinVar aggregate classification (germline): Benign/Likely benign. Review status: criteria provided, multiple submitters, no conflicts (2 of 4 stars). 6 submissions from 6 submitters: Benign (3); Likely benign (2). 1 of the submissions does not count toward it. Last evaluated 2026-01-22.

Conditions:
ARID1A-related disorder. Also called: ARID1A-related condition.
Intellectual disability, autosomal dominant 14 (CSS2). Also called: COFFIN-SIRIS SYNDROME 2. Identifiers: Orphanet 1465, MedGen C3553247, MONDO:0013819, OMIM 614607.

Allele frequency attached by ClinVar (database versions not stated): 1000 Genomes Project 30x 0.00016; 1000 Genomes Project 0.00020; ExAC 0.00028; ESP Exome Variant Server 0.00031; gnomAD exomes 0.00036 and 0.00088; TOPMed 0.00044; gnomAD 0.00059 and 0.00061.
gnomAD v4.1: 1,379 of 1,613,508 alleles (0.085%); highest among the groups gnomAD compares: Non-Finnish European, 0.11%; 1 homozygote.

Submissions (6):

Labcorp Genetics (formerly Invitae), Labcorp
Classification: Benign. Last evaluated: 2026-01-22. Review status: criteria provided, single submitter. Criteria: Invitae Variant Classification Sherloc (09022015). Collection method: clinical testing. Allele origin: germline.

CeGaT Center for Human Genetics Tuebingen
Classification: Likely benign. Last evaluated: 2025-03-01. Review status: criteria provided, single submitter. Criteria: CeGaT Center For Human Genetics Tuebingen Variant Classification Criteria Version 2. Collection method: clinical testing. Allele origin: germline. Affected: yes. Observed: 4 variant alleles.
Comment: ARID1A: BP4, BP7

Blueprint Genetics
Classification: Likely benign. Last evaluated: 2024-11-21. Review status: criteria provided, single submitter. Criteria: ACMG Guidelines, 2015. Collection method: clinical testing. Allele origin: germline.

Genome-Nilou Lab
Classification: Benign for Intellectual disability, autosomal dominant 14. Last evaluated: 2021-12-05. Review status: criteria provided, single submitter. Criteria: ACMG Guidelines, 2015. Collection method: clinical testing. Allele origin: germline. Affected: no.

GeneDx
Classification: Benign. Last evaluated: 2019-10-01. Review status: criteria provided, single submitter. Criteria: GeneDx Variant Classification Process June 2021. Collection method: clinical testing. Allele origin: germline. Affected: yes.

PreventionGenetics, part of Exact Sciences
Classification: Likely benign for ARID1A-related condition. Last evaluated: 2024-02-01. Review status: no assertion criteria provided. Collection method: clinical testing. Allele origin: germline. Not counted in ClinVar's aggregate classification.
Comment: This variant is classified as likely benign based on ACMG/AMP sequence variant interpretation guidelines (Richards et al. 2015 PMID: 25741868, with internal and published modifications).